The following is an entry in ClinVar:

NM_001287.6(CLCN7):c.2274C>G (p.Phe758Leu)

Gene: CLCN7 (Cl-/H+ antiporter 7; minus strand). Cytogenetic location: 16p13.3.
Variant type: single nucleotide variant.
Coding change: c.2274C>G on transcript NM_001287.6 (MANE Select); coding-DNA position 2274, C replaced by G.
Protein change: p.Phe758Leu; replaces phenylalanine 758 with leucine.
Molecular consequence: missense variant.
Genome position (GRCh38, 1-based): chr16:1,447,063, G>C on the plus strand (C>G on the coding strand, the complement: CLCN7 is on the minus strand). VCF-style: chr16-1447063-G-C. GRCh37 (hg19) VCF-style: chr16-1497064-G-C.
Other names: c.2202C>G, p.Phe734Leu (NM_001114331.3); short protein forms F734L, F758L.
Identifiers: ClinVar variation 1684675 (VCV001684675.7), dbSNP rs760740877, ClinGen allele CA394185314.

ClinVar aggregate classification (germline): Conflicting classifications of pathogenicity. Review status: criteria provided, conflicting classifications (1 of 4 stars). 2 submissions from 2 submitters: Pathogenic (1); Uncertain significance (1). Last evaluated 2022-08-28.

Conditions:
Autosomal dominant osteopetrosis 2. Also called: MARBLE BONES, AUTOSOMAL DOMINANT; OSTEOSCLEROSIS FRAGILIS GENERALISATA; Osteopetroses; Marble bones; Albers-Schonberg disease; Osteosclerosis fragilis. Identifiers: Orphanet 53, MedGen C3179239, MONDO:0008156, OMIM 166600.

Submissions (2):

Labcorp Genetics (formerly Invitae), Labcorp
Classification: Uncertain significance. Last evaluated: 2022-08-28. Review status: criteria provided, single submitter. Criteria: Invitae Variant Classification Sherloc (09022015). Collection method: clinical testing. Allele origin: germline.
Comment: In summary, the available evidence is currently insufficient to determine the role of this variant in disease. Therefore, it has been classified as a Variant of Uncertain Significance. Algorithms developed to predict the effect of missense changes on protein structure and function are either unavailable or do not agree on the potential impact of this missense change (SIFT: "Deleterious"; PolyPhen-2: "Possibly Damaging"; Align-GVGD: "Class C15"). ClinVar contains an entry for this variant (Variation ID: 1684675). This missense change has been observed in individual(s) with osteopetrosis (PMID: 19953639). This variant is not present in population databases (gnomAD no frequency). This sequence change replaces phenylalanine, which is neutral and non-polar, with leucine, which is neutral and non-polar, at codon 758 of the CLCN7 protein (p.Phe758Leu).

Molecular Lab, Department of Haematology, Christian Medical College
Classification: Pathogenic for Autosomal dominant osteopetrosis 2. Last evaluated: 2022-05-20. Review status: criteria provided, single submitter. Criteria: ACMG Guidelines, 2015. Collection method: clinical testing. Allele origin: germline. Affected: yes. Observed: 1 variant allele.

Literature cited by the submitters: PubMed 19953639 (cited by Labcorp Genetics (formerly Invitae), Labcorp).